The following is an entry in ClinVar:

NM_004525.3(LRP2):c.5535C>A (p.Ile1845=)

Gene: LRP2 (LDL receptor related protein 2; minus strand). Cytogenetic location: 2q31.1.
Variant type: single nucleotide variant.
Coding change: c.5535C>A on transcript NM_004525.3 (MANE Select); coding-DNA position 5535, C replaced by A.
Protein change: p.Ile1845=; no amino-acid change (isoleucine 1845 retained).
Molecular consequence: synonymous variant.
Genome position (GRCh38, 1-based): chr2:169,225,313, G>T on the plus strand (C>A on the coding strand, the complement: LRP2 is on the minus strand). VCF-style: chr2-169225313-G-T. GRCh37 (hg19) VCF-style: chr2-170081823-G-T.
Other names: c.5535C>A (NM_004525.2).
Identifiers: ClinVar variation 1583627 (VCV001583627.12), dbSNP rs772030872, ClinGen allele CA1954520.

ClinVar aggregate classification (germline): Likely benign. Review status: criteria provided, multiple submitters, no conflicts (2 of 4 stars). 4 submissions from 4 submitters: Likely benign (3). 1 of the submissions does not count toward it. Last evaluated 2025-09-22.

Conditions:
LRP2-related disorder. Also called: LRP2-related condition.
Donnai-Barrow syndrome. Also called: DBS/FOAR SYNDROME; FACIOOCULOACOUSTICORENAL SYNDROME. Identifiers: Orphanet 2143, MedGen C1857277, MONDO:0009104, OMIM 222448.

Allele frequency attached by ClinVar (database versions not stated): gnomAD 0.00002 and 0.00003; ExAC 0.00007.
gnomAD v4.1: 18 of 1,613,374 alleles (0.0011%); highest among the groups gnomAD compares: Admixed American, 0.027%; no homozygotes.

Submissions (4):

Labcorp Genetics (formerly Invitae), Labcorp
Classification: Likely benign. Last evaluated: 2025-09-22. Review status: criteria provided, single submitter. Criteria: Invitae Variant Classification Sherloc (09022015). Collection method: clinical testing. Allele origin: germline.

Blueprint Genetics
Classification: Likely benign. Last evaluated: 2022-11-02. Review status: criteria provided, single submitter. Criteria: ACMG Guidelines, 2015. Collection method: clinical testing. Allele origin: germline.

Fulgent Genetics
Classification: Likely benign for Donnai-Barrow syndrome. Last evaluated: 2021-12-29. Review status: criteria provided, single submitter. Criteria: ACMG Guidelines, 2015. Collection method: clinical testing. Allele origin: unknown.

PreventionGenetics, part of Exact Sciences
Classification: Likely benign for LRP2-related condition. Last evaluated: 2019-07-15. Review status: no assertion criteria provided. Collection method: clinical testing. Allele origin: germline. Not counted in ClinVar's aggregate classification.
Comment: This variant is classified as likely benign based on ACMG/AMP sequence variant interpretation guidelines (Richards et al. 2015 PMID: 25741868, with internal and published modifications).